The following is an entry in ClinVar:

NM_000516.7(GNAS):c.659+8A>C

Gene: GNAS (GNAS complex locus; plus strand). Cytogenetic location: 20q13.32.
Variant type: single nucleotide variant.
Coding change: c.659+8A>C on transcript NM_000516.7 (MANE Select); 8 bases into the intron after coding-DNA position 659, A replaced by C.
Molecular consequence: intron variant.
Genome position (GRCh38, 1-based): chr20:58,909,431, A>C. VCF-style: chr20-58909431-A-C. GRCh37 (hg19) VCF-style: chr20-57484486-A-C.
Other names: c.*565+8A>C (NM_016592.5); c.563+8A>C (NM_001410912.1); c.482+8A>C (NM_001309861.2, NM_001439291.1, NM_001309840.2 and 1 more transcripts); c.*520+8A>C (NM_001077490.3); c.2588+8A>C (NM_080425.4); c.2543+8A>C (NM_001410913.1); c.437+8A>C (NM_001438273.1, NM_001438274.1, NM_001438275.1); c.662+8A>C (NM_001077488.5); and 2 more.
Identifiers: ClinVar variation 4983431 (VCV004983431.1).

ClinVar aggregate classification (germline): Likely benign (1 of 4 stars; one submission).

Conditions:
GNAS-related disorder. Identifiers: MedGen CN380105.

gnomAD v4.1: 24 of 1,611,766 alleles (0.0015%); highest among the groups gnomAD compares: Non-Finnish European, 0.002%; no homozygotes.

Submission:

PreventionGenetics, part of Exact Sciences
Classification: Likely benign for GNAS-related condition. Last evaluated: 2024-10-16. Review status: criteria provided, single submitter. Criteria: ACMG Guidelines, 2015. Collection method: clinical testing. Allele origin: germline.
Comment: This variant is classified as likely benign based on ACMG/AMP sequence variant interpretation guidelines (Richards et al. 2015 PMID: 25741868, with internal and published modifications).